The following is an entry in ClinVar:

NM_000081.4(LYST):c.1996A>G (p.Ser666Gly)

Gene: LYST (lysosomal trafficking regulator; minus strand). Cytogenetic location: 1q42.3.
Variant type: single nucleotide variant.
Coding change: c.1996A>G on transcript NM_000081.4 (MANE Select); coding-DNA position 1996, A replaced by G.
Protein change: p.Ser666Gly; replaces serine 666 with glycine.
Molecular consequence: missense variant.
Genome position (GRCh38, 1-based): chr1:235,808,822, T>C on the plus strand (A>G on the coding strand, the complement: LYST is on the minus strand). VCF-style: chr1-235808822-T-C. GRCh37 (hg19) VCF-style: chr1-235972122-T-C.
Other names: c.1996A>G, p.Ser666Gly (NM_001301365.1); c.1996A>G (NM_000081.2); short protein forms S666G.
Identifiers: ClinVar variation 296426 (VCV000296426.14), dbSNP rs140284566, ClinGen allele CA1467366.

ClinVar aggregate classification (germline): Conflicting classifications of pathogenicity. Review status: criteria provided, conflicting classifications (1 of 4 stars). 6 submissions from 6 submitters: Uncertain significance (5); Likely benign (1). Last evaluated 2025-08-06.

Conditions:
Autoinflammatory syndrome. Identifiers: Orphanet 93665, MedGen C3890737, MONDO:0019751.
Chédiak-Higashi syndrome (CHS). Also called: Chediak-Higashi Syndrome. Identifiers: Orphanet 167, MedGen C0007965, MONDO:0008963, OMIM 214500.
Inborn genetic diseases. Identifiers: MedGen C0950123, MeSH D030342.

Allele frequency attached by ClinVar (database versions not stated): TOPMed 0.00003; ESP Exome Variant Server 0.00008; gnomAD exomes 0.00010; gnomAD 0.00002 and 0.00003; ExAC 0.00011.
gnomAD v4.1: 152 of 1,613,966 alleles (0.0094%); highest among the groups gnomAD compares: Middle Eastern, 0.033%; no homozygotes.

Submissions (6):

Ambry Genetics
Classification: Likely benign for Inborn genetic diseases. Last evaluated: 2025-08-06. Review status: criteria provided, single submitter. Criteria: Ambry Variant Classification Scheme 2023. Collection method: clinical testing. Allele origin: germline.

Labcorp Genetics (formerly Invitae), Labcorp
Classification: Uncertain significance for Chédiak-Higashi syndrome. Last evaluated: 2024-12-05. Review status: criteria provided, single submitter. Criteria: Invitae Variant Classification Sherloc (09022015). Collection method: clinical testing. Allele origin: germline.
Comment: This sequence change replaces serine, which is neutral and polar, with glycine, which is neutral and non-polar, at codon 666 of the LYST protein (p.Ser666Gly). This variant is present in population databases (rs140284566, gnomAD 0.03%). This variant has not been reported in the literature in individuals affected with LYST-related conditions. ClinVar contains an entry for this variant (Variation ID: 296426). Invitae Evidence Modeling of protein sequence and biophysical properties (such as structural, functional, and spatial information, amino acid conservation, physicochemical variation, residue mobility, and thermodynamic stability) indicates that this missense variant is not expected to disrupt LYST protein function with a negative predictive value of 80%. In summary, the available evidence is currently insufficient to determine the role of this variant in disease. Therefore, it has been classified as a Variant of Uncertain Significance.

Blueprint Genetics
Classification: Uncertain significance. Last evaluated: 2024-07-26. Review status: criteria provided, single submitter. Criteria: ACMG Guidelines, 2015. Collection method: clinical testing. Allele origin: germline.

Genome Diagnostics Laboratory, The Hospital for Sick Children
Classification: Uncertain significance for Autoinflammatory syndrome. Last evaluated: 2021-06-25. Review status: criteria provided, single submitter. Criteria: ACMG Guidelines, 2015. Collection method: clinical testing. Allele origin: germline. Affected: yes.

Fulgent Genetics
Classification: Uncertain significance for Chédiak-Higashi syndrome. Last evaluated: 2018-10-31. Review status: criteria provided, single submitter. Criteria: ACMG Guidelines, 2015. Collection method: clinical testing. Allele origin: unknown.

Illumina Laboratory Services, Illumina
Classification: Uncertain significance for Chédiak-Higashi syndrome. Last evaluated: 2018-01-13. Review status: criteria provided, single submitter. Criteria: ICSL Variant Classification Criteria 13 December 2019. Collection method: clinical testing. Allele origin: germline.